The following is an entry in ClinVar:

ClinVar aggregate classification (germline): Likely benign. Review status: criteria provided, single submitter (1 of 4 stars). 2 submissions from 2 submitters: Likely benign (1). 1 of the submissions does not count toward it. Last evaluated 2023-05-27.

Conditions:
MAST1-related disorder. Also called: MAST1-related condition.

Allele frequency attached by ClinVar (database versions not stated): ExAC 0.00003; gnomAD 0.00023; TOPMed 0.00023; 1000 Genomes Project 30x 0.00047; 1000 Genomes Project 0.00060.
gnomAD v4.1: 77 of 1,583,092 alleles (0.0049%); highest among the groups gnomAD compares: African/African-American, 0.095%; no homozygotes.

Submissions (2):

Labcorp Genetics (formerly Invitae), Labcorp
Classification: Likely benign. Last evaluated: 2023-05-27. Review status: criteria provided, single submitter. Criteria: Invitae Variant Classification Sherloc (09022015). Collection method: clinical testing. Allele origin: germline.

PreventionGenetics, part of Exact Sciences
Classification: Likely benign for MAST1-related condition. Last evaluated: 2022-05-02. Review status: no assertion criteria provided. Collection method: clinical testing. Allele origin: germline. Not counted in ClinVar's aggregate classification.
Comment: This variant is classified as likely benign based on ACMG/AMP sequence variant interpretation guidelines (Richards et al. 2015 PMID: 25741868, with internal and published modifications).

NM_014975.3(MAST1):c.3715C>T (p.Leu1239=)

Gene: MAST1 (microtubule associated serine/threonine kinase 1; plus strand). Cytogenetic location: 19p13.13.
Variant type: single nucleotide variant.
Coding change: c.3715C>T on transcript NM_014975.3 (MANE Select); coding-DNA position 3715, C replaced by T.
Protein change: p.Leu1239=; no amino-acid change (leucine 1239 retained).
Molecular consequence: synonymous variant.
Genome position (GRCh38, 1-based): chr19:12,873,872, C>T. VCF-style: chr19-12873872-C-T. GRCh37 (hg19) VCF-style: chr19-12984686-C-T.
Other names: c.3715C>T (NM_014975.2).
Identifiers: ClinVar variation 2169014 (VCV002169014.6), dbSNP rs529517783, ClinGen allele CA9233463.
Genomic context (GRCh38, chr19:12,873,872, plus strand): 5'-CCGCCACTGCCGGGCCACACGGTGGGCAGCTCGCACACTACTCAGAGCTTCCCGGCCAAA[C>T]TGCACTCATCGCCTCCCGTCGTGCGCCCGCGCCCCAAGAGTGCCGAGCCCCCTCGCTCGC-3'
Protein context (NP_055790.1, residues 1229-1249): SHTTQSFPAK[Leu1239=]HSSPPVVRPR